The following is an entry in ClinVar:

NM_000702.4(ATP1A2):c.1490C>A (p.Pro497His)

Gene: ATP1A2 (ATPase Na+/K+ transporting subunit alpha 2; plus strand). Cytogenetic location: 1q23.2.
Variant type: single nucleotide variant.
Coding change: c.1490C>A on transcript NM_000702.4 (MANE Select); coding-DNA position 1490, C replaced by A.
Protein change: p.Pro497His; replaces proline 497 with histidine.
Molecular consequence: missense variant.
Genome position (GRCh38, 1-based): chr1:160,130,130, C>A. VCF-style: chr1-160130130-C-A. GRCh37 (hg19) VCF-style: chr1-160099920-C-A.
Other names: short protein forms P497H.
Identifiers: ClinVar variation 3455824 (VCV003455824.3).
Genomic context (GRCh38, chr1:160,130,130, plus strand): 5'-GCCCTCTCTGTAACTACCTGTTGTCTCTCCAGCTGTCTATCCACGAGCGAGAAGACAGCC[C>A]CCAGAGCCACGTGCTGGTGATGAAGGGGGCCCCAGAGCGCATTCTGGACCGGTGCTCCAC-3'
Protein context (NP_000693.1, residues 487-507): QLSIHEREDS[Pro497His]QSHVLVMKGA

ClinVar aggregate classification (germline): Uncertain significance. Review status: criteria provided, multiple submitters, no conflicts (2 of 4 stars). 2 submissions from 2 submitters: Uncertain significance (2). Last evaluated 2024-08-12.

Conditions:
Familial hemiplegic migraine. Identifiers: MedGen C0338484, MONDO:0000700.
Inborn genetic diseases. Identifiers: MedGen C0950123, MeSH D030342.

gnomAD v4.1: 1 of 1,614,094 alleles (0.000062%); highest among the groups gnomAD compares: South Asian, 0.0011%; no homozygotes.

Submissions (2):

Ambry Genetics
Classification: Uncertain significance for Inborn genetic diseases. Last evaluated: 2024-08-12. Review status: criteria provided, single submitter. Criteria: Ambry Variant Classification Scheme 2023. Collection method: clinical testing. Allele origin: germline.

Labcorp Genetics (formerly Invitae), Labcorp
Classification: Uncertain significance for Familial hemiplegic migraine. Last evaluated: 2024-02-09. Review status: criteria provided, single submitter. Criteria: Invitae Variant Classification Sherloc (09022015). Collection method: clinical testing. Allele origin: germline.
Comment: This sequence change replaces proline, which is neutral and non-polar, with histidine, which is basic and polar, at codon 497 of the ATP1A2 protein (p.Pro497His). This variant is not present in population databases (gnomAD no frequency). This variant has not been reported in the literature in individuals affected with ATP1A2-related conditions. Advanced modeling of protein sequence and biophysical properties (such as structural, functional, and spatial information, amino acid conservation, physicochemical variation, residue mobility, and thermodynamic stability) has been performed at Invitae for this missense variant, however the output from this modeling did not meet the statistical confidence thresholds required to predict the impact of this variant on ATP1A2 protein function. In summary, the available evidence is currently insufficient to determine the role of this variant in disease. Therefore, it has been classified as a Variant of Uncertain Significance.